The following is an entry in ClinVar:

NM_015404.4(WHRN):c.2388_2389del (p.Asn796fs)

Gene: WHRN (whirlin; minus strand). Cytogenetic location: 9q32.
Variant type: Deletion.
Coding change: c.2388_2389del on transcript NM_015404.4 (MANE Select); coding-DNA positions 2388 to 2389, 2 bases deleted (CG; older notation c.2388_2389delCG).
Protein change: p.Asn796fs; shifts the reading frame from asparagine 796.
Molecular consequence: frameshift variant.
Genome position (GRCh38, 1-based): chr9:114,403,925-114,403,926, CG deleted on the plus strand (CG on the coding strand, the reverse complement: WHRN is on the minus strand). VCF-style (leftmost placement, unchanged base first): chr9-114403924-TCG-T. GRCh37 (hg19) VCF-style: chr9-117166204-TCG-T.
Other names: c.1239_1240del, p.Asn413fs (NM_001083885.3); c.2385_2386del, p.Asn795fs (NM_001173425.2); c.1335_1336del, p.Asn445fs (NM_001346890.1); short protein forms N796fs, N795fs, N445fs, N413fs.
Identifiers: ClinVar variation 560920 (VCV000560920.2), dbSNP rs1564113368, ClinGen allele CA466781892.

ClinVar aggregate classification (germline): Pathogenic/Likely pathogenic. Review status: no assertion criteria provided (0 of 4 stars). 2 submissions from 2 submitters: Pathogenic (1); Likely pathogenic (1). Last evaluated 2018-09-10.

Conditions:
Hearing loss, autosomal recessive. Also called: Rare autosomal recessive non-syndromic sensorineural deafness type DFNB; Autosomal recessive nonsyndromic deafness; Nonsyndromic Hearing Loss, Recessive; Deafness, autosomal recessive. Identifiers: Orphanet 90635, Orphanet 90636, MedGen C1846647, MONDO:0019588, OMIM 607197.
Deafness. Identifiers: MedGen C0011053.

Submissions (2):

Center for Statistical Genetics, Columbia University
Classification: Pathogenic for Deafness. Last evaluated: 2018-09-10. Review status: no assertion criteria provided. Collection method: research. Allele origin: inherited. Affected: yes.
Comment: Autosomal recessive

University of Washington Center for Mendelian Genomics, University of Washington
Classification: Likely pathogenic for non-syndromic autosomal recessive hearing loss. Review status: no assertion criteria provided. Collection method: research. Allele origin: inherited. Affected: yes.

Literature cited by the submitters: PubMed 30303587 (cited by University of Washington Center for Mendelian Genomics, University of Washington).